The following is an entry in ClinVar:

NM_001846.4(COL4A2):c.4683C>T (p.Asn1561=)

Genes: COL4A2 (collagen type IV alpha 2 chain; plus strand), COL4A2-AS1 (COL4A2 antisense RNA 1; minus strand). Cytogenetic location: 13q34.
Variant type: single nucleotide variant.
Coding change: c.4683C>T on transcript NM_001846.4 (MANE Select); coding-DNA position 4683, C replaced by T.
Protein change: p.Asn1561=; no amino-acid change (asparagine 1561 retained).
Molecular consequence: synonymous variant.
Genome position (GRCh38, 1-based): chr13:110,508,023, C>T. VCF-style: chr13-110508023-C-T. GRCh37 (hg19) VCF-style: chr13-111160370-C-T.
Identifiers: ClinVar variation 311184 (VCV000311184.13), dbSNP rs368443057, ClinGen allele CA7050626.
Genomic context (GRCh38, chr13:110,508,023, plus strand): 5'-CAGCACCATGCCCTTCCTGTACTGCAACCCTGGTGATGTCTGCTACTATGCCAGCCGGAA[C>T]GACAAGTCCTACTGGCTCTCTACCACTGCGCCGCTGCCCATGATGCCCGTGGCCGAGGAC-3'
Protein context (NP_001837.2, residues 1551-1571): PGDVCYYASR[Asn1561=]DKSYWLSTTA

ClinVar aggregate classification (germline): Likely benign. Review status: criteria provided, multiple submitters, no conflicts (2 of 4 stars). 3 submissions from 3 submitters: Likely benign (3). Last evaluated 2025-08-17.

Conditions:
Brain small vessel disease 2A, autosomal dominant. Also called: Porencephaly 2. Identifiers: Orphanet 2940, Orphanet 99810, MedGen C3280970, MONDO:0013773, OMIM 614483.

Allele frequency attached by ClinVar (database versions not stated): gnomAD exomes 0.00003; ExAC 0.00005; gnomAD 0.00006 and 0.00007; TOPMed 0.00006; 1000 Genomes Project 30x 0.00016; 1000 Genomes Project 0.00020.
gnomAD v4.1: 48 of 1,614,224 alleles (0.003%); highest among the groups gnomAD compares: East Asian, 0.0045%; no homozygotes.

Submissions (3):

Labcorp Genetics (formerly Invitae), Labcorp
Classification: Likely benign. Last evaluated: 2025-08-17. Review status: criteria provided, single submitter. Criteria: Invitae Variant Classification Sherloc (09022015). Collection method: clinical testing. Allele origin: germline.

Blueprint Genetics
Classification: Likely benign. Last evaluated: 2024-06-06. Review status: criteria provided, single submitter. Criteria: ACMG Guidelines, 2015. Collection method: clinical testing. Allele origin: germline.

Illumina Laboratory Services, Illumina
Classification: Likely benign for Brain small vessel disease 2A, autosomal dominant. Last evaluated: 2018-01-13. Review status: criteria provided, single submitter. Criteria: ICSL Variant Classification Criteria 13 December 2019. Collection method: clinical testing. Allele origin: germline.
Comment: This variant was observed in the ICSL laboratory as part of a predisposition screen in an ostensibly healthy population. It had not been previously curated by ICSL or reported in the Human Gene Mutation Database (HGMD: prior to June 1st, 2018), and was therefore a candidate for classification through an automated scoring system. Utilizing variant allele frequency, disease prevalence and penetrance estimates, and inheritance mode, an automated score was calculated to assess if this variant is too frequent to cause the disease. Based on the score and internal cut-off values, a variant classified as likely benign is not then subjected to further curation. The score for this variant resulted in a classification of likely benign for this disease.